The following is an entry in ClinVar:

ClinVar aggregate classification (germline): Pathogenic. Review status: reviewed by expert panel (3 of 4 stars). 2 submissions from 2 submitters: Pathogenic (1). 1 of the submissions does not count toward it. Last evaluated 2016-10-18.

Conditions:
Breast-ovarian cancer, familial, susceptibility to, 2 (BROVCA2). Also called: BRCA2 Hereditary Breast and Ovarian Cancer. Identifiers: Orphanet 145, MedGen C2675520, MONDO:0012933, OMIM 612555. Disease mechanism: loss of function.

Submissions (2):

Evidence-based Network for the Interpretation of Germline Mutant Alleles (ENIGMA)
Classification: Pathogenic for Breast-ovarian cancer, familial, susceptibility to, 2. Last evaluated: 2016-10-18. Review status: reviewed by expert panel. Criteria: ENIGMA BRCA1/2 Classification Criteria (2015). Collection method: curation. Allele origin: germline.
Comment: Variant allele predicted to encode a truncated non-functional protein.

Consortium of Investigators of Modifiers of BRCA1/2 (CIMBA), c/o University of Cambridge
Classification: Pathogenic for Breast-ovarian cancer, familial, susceptibility to, 2. Last evaluated: 2015-10-02. Review status: criteria provided, single submitter. Criteria: CIMBA Mutation Classification guidelines May 2016. Collection method: clinical testing. Allele origin: germline. Not counted in ClinVar's aggregate classification.

NM_000059.4(BRCA2):c.1841_1844del (p.Ile614fs)

Gene: BRCA2 (BRCA2 DNA repair associated; plus strand). Cytogenetic location: 13q13.1.
Variant type: Deletion.
Coding change: c.1841_1844del on transcript NM_000059.4 (MANE Select); coding-DNA positions 1841 to 1844, 4 bases deleted (TTAA; older notation c.1841_1844delTTAA).
Protein change: p.Ile614fs; shifts the reading frame from isoleucine 614.
Molecular consequence: frameshift variant.
Genome position (GRCh38, 1-based): chr13:32,333,319-32,333,322, TTAA deleted; deleting any 4 consecutive bases within chr13:32,333,316-32,333,322 gives the same sequence; the c. name uses the placement nearest the transcript's 3' end. VCF-style (leftmost placement, unchanged base first): chr13-32333315-CTAAT-C. GRCh37 (hg19) VCF-style: chr13-32907452-CTAAT-C.
Other names: 2069_2072delTTAA; short protein forms I614fs.
Identifiers: ClinVar variation 266663 (VCV000266663.5), dbSNP rs886040392, ClinGen allele CA10589122.